The following is an entry in ClinVar:

NM_014712.3(SETD1A):c.1943C>A (p.Pro648Gln)

Gene: SETD1A (SET domain containing 1A, histone lysine methyltransferase; plus strand). Cytogenetic location: 16p11.2.
Variant type: single nucleotide variant.
Coding change: c.1943C>A on transcript NM_014712.3 (MANE Select); coding-DNA position 1943, C replaced by A.
Protein change: p.Pro648Gln; replaces proline 648 with glutamine.
Molecular consequence: missense variant.
Genome position (GRCh38, 1-based): chr16:30,965,824, C>A. VCF-style: chr16-30965824-C-A. GRCh37 (hg19) VCF-style: chr16-30977145-C-A.
Other names: short protein forms P648Q.
Identifiers: ClinVar variation 5029410 (VCV005029410.1).

ClinVar aggregate classification (germline): Uncertain significance (1 of 4 stars; one submission).

Conditions:
Inborn genetic diseases. Identifiers: MedGen C0950123, MeSH D030342.

gnomAD v4.1: 8 of 1,600,996 alleles (0.0005%); highest among the groups gnomAD compares: South Asian, 0.0011%; no homozygotes.

Submission:

Ambry Genetics
Classification: Uncertain significance for Inborn genetic diseases. Last evaluated: 2026-08-13. Review status: criteria provided, single submitter. Criteria: Ambry Variant Classification Scheme 2023. Collection method: clinical testing. Allele origin: germline.
Comment: The c.1943C>A (p.P648Q) alteration is located in exon 8 (coding exon 7) of the SETD1A gene. This alteration results from a C to A substitution at nucleotide position 1943, causing the proline (P) at amino acid position 648 to be replaced by a glutamine (Q). Based on data from gnomAD, the A allele has an overall frequency of <0.001% (1/238640) total alleles studied. The highest observed frequency was 0.004% (1/28714) of South Asian alleles. Based on insufficient or conflicting evidence, the clinical significance of this alteration remains unclear.